The following is an entry in ClinVar:

NM_001062.4(TCN1):c.497T>C (p.Val166Ala)

Gene: TCN1 (transcobalamin 1; minus strand). Cytogenetic location: 11q12.1.
Variant type: single nucleotide variant.
Coding change: c.497T>C on transcript NM_001062.4 (MANE Select); coding-DNA position 497, T replaced by C.
Protein change: p.Val166Ala; replaces valine 166 with alanine.
Molecular consequence: missense variant.
Genome position (GRCh38, 1-based): chr11:59,861,586, A>G on the plus strand (T>C on the coding strand, the complement: TCN1 is on the minus strand). VCF-style: chr11-59861586-A-G. GRCh37 (hg19) VCF-style: chr11-59629059-A-G.
Other names: short protein forms V166A.
Identifiers: ClinVar variation 1043075 (VCV001043075.8), dbSNP rs200554043, ClinGen allele CA6021996.

ClinVar aggregate classification (germline): Uncertain significance (1 of 4 stars; one submission).

Conditions:
Transcobalamin I deficiency (TCN1D). Also called: TCN1 DEFICIENCY; COBALAMIN PSEUDODEFICIENCY DUE TO TRANSCOBALAMIN DEFICIENCY; COBALAMIN R BINDER PROTEIN DEFICIENCY. Identifiers: Orphanet 2967, MedGen C0342700, MONDO:0008659, OMIM 193090.

Allele frequency attached by ClinVar (database versions not stated): TOPMed 0.00001; ExAC 0.00002; gnomAD exomes 0.00002; 1000 Genomes Project 30x 0.00016; 1000 Genomes Project 0.00020.
gnomAD v4.1: 15 of 1,614,182 alleles (0.00093%); highest among the groups gnomAD compares: Admixed American, 0.0033%; no homozygotes.

Submission:

Labcorp Genetics (formerly Invitae), Labcorp
Classification: Uncertain significance for Transcobalamin I deficiency. Last evaluated: 2024-10-16. Review status: criteria provided, single submitter. Criteria: Invitae Variant Classification Sherloc (09022015). Collection method: clinical testing. Allele origin: germline.
Comment: This sequence change replaces valine, which is neutral and non-polar, with alanine, which is neutral and non-polar, at codon 166 of the TCN1 protein (p.Val166Ala). This variant is present in population databases (rs200554043, gnomAD 0.004%). This variant has not been reported in the literature in individuals affected with TCN1-related conditions. ClinVar contains an entry for this variant (Variation ID: 1043075). An algorithm developed to predict the effect of missense changes on protein structure and function (PolyPhen-2) suggests that this variant is likely to be disruptive. In summary, the available evidence is currently insufficient to determine the role of this variant in disease. Therefore, it has been classified as a Variant of Uncertain Significance.